The following is an entry in ClinVar:

NC_012920.1(MT-TW):m.5521G>A

Gene: MT-TW (mitochondrially encoded tRNA tryptophan; plus strand).
Variant type: single nucleotide variant.
Genome position: chrM-5521-G-A.
Other names: 5521G-A.
Identifiers: ClinVar variation 9556 (VCV000009556.10), dbSNP rs199474673, ClinGen allele CA254831.

ClinVar aggregate classification (germline): Likely pathogenic. Review status: reviewed by expert panel (3 of 4 stars). 9 submissions from 9 submitters: Likely pathogenic (1). 8 of the submissions do not count toward it. Last evaluated 2022-10-03.

Conditions:
Primary Mitochondrial Disorders. Identifiers: MedGen CN381104.
Mitochondrial disease. Also called: Mitochondrial disorder; Mitochondrial disorders. Identifiers: Orphanet 68380, MedGen C0751651, MeSH D028361, MONDO:0044970.
Inborn mitochondrial myopathy. Also called: Mitochondrial myopathy; Mitochondrial Myopathies. Identifiers: Orphanet 206966, MedGen C0162670, MONDO:0009637, HP:0003737.
MELAS syndrome (MELAS). Also called: Juvenile myopathy, encephalopathy, lactic acidosis, stroke. Identifiers: Orphanet 550, MedGen C0162671, MONDO:0010789, OMIM 540000.

Submissions (9):

ClinGen Mitochondrial Disease Nuclear and Mitochondrial  Variant Curation Expert Panel, ClinGen
Classification: Likely pathogenic for Mitochondrial disease. Last evaluated: 2022-10-03. Review status: reviewed by expert panel. Criteria: clingen mito disease acmg specifications v1-1. Collection method: curation. Allele origin: germline. Inheritance: Mitochondrial inheritance.
Comment: The m.5521G>A variant in MT-TW has been reported in four unrelated individuals to date. Ages of onset included childhood (2/4 affected individuals), 20s (1/4 affected individuals), and 50s (1/4 affected individuals). Affected individuals had features including myopathy, seizures, cerebellar ataxia, mood disorders, and eating disorders. Muscle biopsies showed ragged red fibers (RRF) and COX-negative fibers, whereas respiratory chain enzyme deficiencies were variable. Heteroplasmy levels of the variant were not specified in one affected individual, were 98% muscle and undetectable in blood in another affected individual, were homoplasmic in muscle and 87% brain in another affected individual, and were homoplasmic in blood in the last individual (PS4_moderate; PMIDs: 20360171, 23841600, 23847141, 9673981). There are no de novo occurrences of this variant to our knowledge. There are no large families reported in the medical literature to consider for evidence of segregation. This variant is absent in the GenBank dataset, Helix dataset, and gnomAD v3.1.2 (PM2_supporting). The computational predictor MitoTIP suggests this variant is pathogenic (89.7 percentile) and HmtVAR predicts it to be pathogenic score of 1 (PP3). Single fiber testing showed higher levels of the variant in COX-negative RRF (89.9% +/- 11.76) than in COX-positive fibers (69.35% +/- 26.22), p<0.005 (PS3_supporting, PMID: 9673981). In summary, this variant meets criteria to be classified as likely pathogenic for primary mitochondrial disease inherited in a mitochondrial manner. This classification was approved by the NICHD/NINDS U24 ClinGen Mitochondrial Disease Variant Curation Expert Panel on October 3, 2022. Mitochondrial DNA-specific ACMG/AMP criteria applied: PS4_moderate, PM2_supporting, PP3, PS3_supporting.

Variantyx, Inc.
Classification: Likely pathogenic for Primary mitochondrial disorders. Last evaluated: 2025-11-04. Review status: criteria provided, single submitter. Criteria: Variantyx Assertion Criteria 2022. Collection method: clinical testing. Allele origin: germline. Not counted in ClinVar's aggregate classification.
Comment: The m.5521G>A change is a variant in the MT-TW gene which encodes the mitochondrial transfer RNA for tryptophan. Pathogenic variants in this gene have been associated with primary mitochondrial disorders. This variant has been reported in at least 4 unrelated affected individual(s) (PMID: 9673981, 23847141, 23841600, 20360171) (PS4_Moderate). Functional studies support a deleterious effect for this variant (PMID: 9673981) (PS3) and computational algorithms support a deleterious effect on the gene or gene product (Aggregate Predicted Severity Score: 1) (PP3). This variant is absent from control populations (PM2). Other reputable laboratories have reported this variant as pathogenic or likely pathogenic, and this classification has been validated by an expert panel in ClinVar (PP5). Based on the current evidence, this variant is classified as likely pathogenic for primary mitochondrial disorders.

Clinical Genetics Laboratory, Skane University Hospital Lund
Classification: Pathogenic. Last evaluated: 2023-12-22. Review status: criteria provided, single submitter. Criteria: ACMG Guidelines, 2015. Collection method: clinical testing. Allele origin: germline. Affected: yes. Not counted in ClinVar's aggregate classification.

Institute of Human Genetics, University of Leipzig Medical Center
Classification: Likely pathogenic for MELAS syndrome. Last evaluated: 2023-12-04. Review status: criteria provided, single submitter. Criteria: ACMG Guidelines, 2015. Collection method: clinical testing. Allele origin: unknown. Inheritance: Mitochondrial inheritance. Affected: yes. Not counted in ClinVar's aggregate classification.
Comment: Criteria applied: PS4_MOD,PS3_SUP,PM2_SUP,PP3,PP4

Illumina Laboratory Services, Illumina
Classification: Likely pathogenic for Mitochondrial disease. Last evaluated: 2023-07-31. Review status: criteria provided, single submitter. Criteria: ICSLVariantClassificationCriteria RUGD 01 April 2020. Collection method: clinical testing. Allele origin: unknown. Not counted in ClinVar's aggregate classification.
Comment: The MT-TW m.5521G>A mitochondrial variant has been reported in at least five individuals with phenotypes consistent with primary mitochondrial disease including myopathy, seizures, cerebellar ataxia, mood disorders, and eating disorders (PMID: 23841600; 20360171; 9673981; 37038312; 23847141). The age of onset of disease in the affected individuals ranged between infancy and adult. In at least three of the affected individuals higher heteroplasmy levels of the variant were present in the affected tissue compared to an unaffected tissue (PMID: 9673981; 20360171; 37038312). The m.5521G>A variant is not observed in version 3.1.2 of the Genome Aggregation Database. Multiple lines of computational evidence suggest the variant may impact tRNA structure and stability. This variant has been classified as likely pathogenic by ClinGen Mitochondrial Disease Nuclear and Mitochondrial Variant Curation Expert Panel. Based on the available evidence the MT-TW m.5521G>A variant is classified as likely pathogenic for primary mitochondrial disease.

Mendelics
Classification: Pathogenic for MELAS syndrome. Last evaluated: 2022-05-04. Review status: criteria provided, single submitter. Criteria: Mendelics Assertion Criteria 2019. Collection method: clinical testing. Allele origin: germline. Not counted in ClinVar's aggregate classification.

Wong Mito Lab, Molecular and Human Genetics, Baylor College of Medicine
Classification: Pathogenic for MELAS syndrome. Last evaluated: 2019-07-12. Review status: criteria provided, single submitter. Criteria: Modified ACMG Guidelines (Unpublished). Collection method: clinical testing. Allele origin: germline. Not counted in ClinVar's aggregate classification.
Comment: The NC_012920.1:m.5521G>A variant in MT-TW gene is interpreted to be a Pathogenic variant based on the modified ACMG guidelines (unpublished). This variant meets the following evidence codes reported in the guidelines: PS3, PM7, PM8, PM9, PP6

OMIM
Classification: Pathogenic for MYOPATHY, MITOCHONDRIAL. Last evaluated: 1998-06-01. Review status: no assertion criteria provided. Collection method: literature only. Allele origin: germline. Not counted in ClinVar's aggregate classification.

GeneReviews
No classification provided. Condition: MELAS syndrome. Review status: no classification provided. Collection method: literature only. Allele origin: maternal. Not counted in ClinVar's aggregate classification.

Literature cited by the submitters: PubMed 9673981 (cited by 4 submitters); PubMed 23841600 (cited by Illumina Laboratory Services, Illumina); PubMed 20360171 (cited by Illumina Laboratory Services, Illumina and GeneReviews); PubMed 37038312 (cited by Illumina Laboratory Services, Illumina); PubMed 23847141 (cited by Illumina Laboratory Services, Illumina); PubMed 31965079 (cited by Wong Mito Lab, Molecular and Human Genetics, Baylor College of Medicine).